The following is an entry in ClinVar:

ClinVar aggregate classification (germline): Uncertain significance (1 of 4 stars; one submission).

gnomAD v4.1: 2 of 1,597,498 alleles (0.00013%); highest among the groups gnomAD compares: Non-Finnish European, 0.00017%; no homozygotes.

Submission:

GeneDx
Classification: Uncertain significance. Last evaluated: 2024-08-02. Review status: criteria provided, single submitter. Criteria: GeneDx Variant Classification Process June 2021. Collection method: clinical testing. Allele origin: germline. Affected: yes.
Comment: Not observed at significant frequency in large population cohorts (gnomAD); In silico analysis supports that this missense variant has a deleterious effect on protein structure/function; Has not been previously published as pathogenic or benign to our knowledge

NM_001038.6(SCNN1A):c.664T>C (p.Trp222Arg)

Gene: SCNN1A (sodium channel epithelial 1 subunit alpha; minus strand). Cytogenetic location: 12p13.31.
Variant type: single nucleotide variant.
Coding change: c.664T>C on transcript NM_001038.6 (MANE Select); coding-DNA position 664, T replaced by C.
Protein change: p.Trp222Arg; replaces tryptophan 222 with arginine.
Molecular consequence: missense variant.
Genome position (GRCh38, 1-based): chr12:6,363,463, A>G on the plus strand (T>C on the coding strand, the complement: SCNN1A is on the minus strand). VCF-style: chr12-6363463-A-G. GRCh37 (hg19) VCF-style: chr12-6472629-A-G.
Other names: c.733T>C, p.Trp245Arg (NM_001159575.2); c.841T>C, p.Trp281Arg (NM_001159576.2); short protein forms W222R, W245R, W281R.
Identifiers: ClinVar variation 3602552 (VCV003602552.1).